The following is an entry in ClinVar:

ClinVar aggregate classification (germline): Pathogenic (1 of 4 stars; one submission).

Conditions:
Autoimmune lymphoproliferative syndrome type 1. Also called: AUTOIMMUNE LYMPHOPROLIFERATIVE SYNDROME, TYPE I, AUTOSOMAL DOMINANT. Identifiers: Orphanet 3261, MedGen C2717884, MONDO:0011158, OMIM 601859.

Submission:

Labcorp Genetics (formerly Invitae), Labcorp
Classification: Pathogenic for Autoimmune lymphoproliferative syndrome. Last evaluated: 2023-11-04. Review status: criteria provided, single submitter. Criteria: Invitae Variant Classification Sherloc (09022015). Collection method: clinical testing. Allele origin: germline.
Comment: This sequence change replaces leucine, which is neutral and non-polar, with phenylalanine, which is neutral and non-polar, at codon 180 of the FAS protein (p.Leu180Phe). RNA analysis indicates that this missense change induces altered splicing and likely results in a shortened protein product. This variant is not present in population databases (gnomAD no frequency). This missense change has been observed in individual(s) with autosomal recessive autoimmune lymphoproliferative syndrome (PMID: 28668589). Advanced modeling of protein sequence and biophysical properties (such as structural, functional, and spatial information, amino acid conservation, physicochemical variation, residue mobility, and thermodynamic stability) has been performed at Invitae for this missense variant, however the output from this modeling did not meet the statistical confidence thresholds required to predict the impact of this variant on FAS protein function. Studies have shown that this missense change results in skipping of exon 6, but is expected to preserve the integrity of the reading-frame (PMID: 28668589). This variant disrupts a region of the FAS protein in which other variant(s) (p.Leu179Arg) have been determined to be pathogenic (Invitae). This suggests that this is a clinically significant region of the protein, and that variants that disrupt it are likely to be disease-causing. For these reasons, this variant has been classified as Pathogenic.

Literature cited by the submitters: PubMed 28668589.

NM_000043.6(FAS):c.538C>T (p.Leu180Phe)

Gene: FAS (Fas cell surface death receptor; plus strand). Cytogenetic location: 10q23.31.
Variant type: single nucleotide variant.
Coding change: c.538C>T on transcript NM_000043.6 (MANE Select); coding-DNA position 538, C replaced by T.
Protein change: p.Leu180Phe; replaces leucine 180 with phenylalanine.
Molecular consequence: missense variant. On other transcripts: non-coding transcript variant (5), intron variant (1).
Genome position (GRCh38, 1-based): chr10:89,010,785, C>T. VCF-style: chr10-89010785-C-T. GRCh37 (hg19) VCF-style: chr10-90770542-C-T.
Other names: c.538C>T, p.Leu180Phe (NM_001320619.2, NM_152872.4); c.583C>T, p.Leu195Phe (NM_001410956.1); c.505+185C>T (NM_152871.4); short protein forms L195F, L180F.
Identifiers: ClinVar variation 2735449 (VCV002735449.3), dbSNP rs1848491059, ClinGen allele CA377509129.